The following is an entry in ClinVar:

ClinVar aggregate classification (germline): Uncertain significance (1 of 4 stars; one submission).

Submission:

Labcorp Genetics (formerly Invitae), Labcorp
Classification: Uncertain significance. Last evaluated: 2024-03-13. Review status: criteria provided, single submitter. Criteria: Invitae Variant Classification Sherloc (09022015). Collection method: clinical testing. Allele origin: germline.
Comment: This sequence change replaces glutamic acid, which is acidic and polar, with glycine, which is neutral and non-polar, at codon 2771 of the VCAN protein (p.Glu2771Gly). This variant is not present in population databases (gnomAD no frequency). This variant has not been reported in the literature in individuals affected with VCAN-related conditions. An algorithm developed to predict the effect of missense changes on protein structure and function (PolyPhen-2) suggests that this variant is likely to be disruptive. In summary, the available evidence is currently insufficient to determine the role of this variant in disease. Therefore, it has been classified as a Variant of Uncertain Significance.

NM_004385.5(VCAN):c.8312A>G (p.Glu2771Gly)

Genes: VCAN (versican; plus strand), VCAN-AS1 (VCAN antisense RNA 1; minus strand). Cytogenetic location: 5q14.3.
Variant type: single nucleotide variant.
Coding change: c.8312A>G on transcript NM_004385.5 (MANE Select); coding-DNA position 8312, A replaced by G.
Protein change: p.Glu2771Gly; replaces glutamic acid 2771 with glycine.
Molecular consequence: missense variant. On other transcripts: intron variant (2).
Genome position (GRCh38, 1-based): chr5:83,541,315, A>G. VCF-style: chr5-83541315-A-G. GRCh37 (hg19) VCF-style: chr5-82837134-A-G.
Other names: c.5351A>G, p.Glu1784Gly (NM_001164097.2); c.4004-4222A>G (NM_001164098.2); c.1043-4222A>G (NM_001126336.3); short protein forms E1784G, E2771G.
Identifiers: ClinVar variation 3645798 (VCV003645798.2).